The following is an entry in ClinVar:

ClinVar aggregate classification (germline): Uncertain significance (1 of 4 stars; one submission).

Conditions:
Sulfite oxidase deficiency due to molybdenum cofactor deficiency type C. Also called: Molybdenum cofactor deficiency, complementation group C; Molybdenum cofactor deficiency C. Identifiers: Orphanet 308400, Orphanet 833, MedGen C1854990, MONDO:0014212, OMIM 615501.

Submission:

Labcorp Genetics (formerly Invitae), Labcorp
Classification: Uncertain significance for Sulfite oxidase deficiency due to molybdenum cofactor deficiency type C. Last evaluated: 2022-08-22. Review status: criteria provided, single submitter. Criteria: Invitae Variant Classification Sherloc (09022015). Collection method: clinical testing. Allele origin: germline.
Comment: In summary, the available evidence is currently insufficient to determine the role of this variant in disease. Therefore, it has been classified as a Variant of Uncertain Significance. Algorithms developed to predict the effect of missense changes on protein structure and function are either unavailable or do not agree on the potential impact of this missense change (SIFT: "Deleterious"; PolyPhen-2: "Benign"; Align-GVGD: "Class C0"). This variant has not been reported in the literature in individuals affected with GPHN-related conditions. This variant is not present in population databases (gnomAD no frequency). This sequence change replaces glutamic acid, which is acidic and polar, with aspartic acid, which is acidic and polar, at codon 105 of the GPHN protein (p.Glu105Asp).

NM_020806.5(GPHN):c.315A>T (p.Glu105Asp)

Gene: GPHN (gephyrin; plus strand). Cytogenetic location: 14q23.3.
Variant type: single nucleotide variant.
Coding change: c.315A>T on transcript NM_020806.5 (MANE Select); coding-DNA position 315, A replaced by T.
Protein change: p.Glu105Asp; replaces glutamic acid 105 with aspartic acid.
Molecular consequence: missense variant.
Genome position (GRCh38, 1-based): chr14:66,879,959, A>T. VCF-style: chr14-66879959-A-T. GRCh37 (hg19) VCF-style: chr14-67346677-A-T.
Other names: c.315A>T, p.Glu105Asp (NM_001024218.2, NM_001377515.1, NM_001377516.1 and 2 more transcripts); c.354A>T, p.Glu118Asp (NM_001377514.1, NM_001377519.1); short protein forms E105D, E118D.
Identifiers: ClinVar variation 2104901 (VCV002104901.4), dbSNP rs759432514, ClinGen allele CA390256865.